The following is an entry in ClinVar:

ClinVar aggregate classification (germline): Uncertain significance. Review status: criteria provided, multiple submitters, no conflicts (2 of 4 stars). 4 submissions from 4 submitters: Uncertain significance (4). Last evaluated 2025-08-26.

Conditions:
Cardiovascular phenotype. Identifiers: MedGen CN230736.
Cardiomyopathy (CMYO). Also called: Cardiomyopathies. Identifiers: Orphanet 167848, MedGen C0878544, MONDO:0004994, HP:0001638. Inheritance: Various modes of inheritance.

Submissions (4):

Color Diagnostics, LLC DBA Color Health
Classification: Uncertain significance for Cardiomyopathy. Last evaluated: 2025-08-26. Review status: criteria provided, single submitter. Criteria: ACMG Guidelines, 2015. Collection method: clinical testing. Allele origin: germline.
Comment: This variant results in a deletion of 3 nucleotides from the 3' untranslated region of the TPM1 gene. To our knowledge, functional studies have not been reported for this variant. This variant has not been reported in individuals affected with TPM1-related disorders in the literature. This variant has been identified in 3/244404 chromosomes in the general population by the Genome Aggregation Database (gnomAD). The available evidence is insufficient to determine the role of this variant in disease conclusively. Therefore, this variant is classified as a Variant of Uncertain Significance.

Molecular Diagnostic Laboratory for Inherited Cardiovascular Disease, Montreal Heart Institute
Classification: Uncertain significance for Cardiovascular phenotype. Last evaluated: 2025-04-09. Review status: criteria provided, single submitter. Criteria: ACMG Guidelines, 2015. Collection method: clinical testing. Allele origin: germline. Affected: yes.

CHEO Genetics Diagnostic Laboratory, Children's Hospital of Eastern Ontario
Classification: Uncertain significance for Cardiomyopathy. Last evaluated: 2021-11-16. Review status: criteria provided, single submitter. Criteria: ACMG Guidelines, 2015. Collection method: clinical testing. Allele origin: germline.

Laboratory for Molecular Medicine, Mass General Brigham Personalized Medicine
Classification: Uncertain significance. Last evaluated: 2015-03-04. Review status: criteria provided, single submitter. Criteria: LMM Criteria. Collection method: clinical testing. Allele origin: germline. Observed: 1 variant allele.
Comment: The *5_*8delCTTT variant in TPM1 has not been previously reported in individuals with cardiomyopathy, but has been identified in 2/52726 European chromosomes by the Exome Aggregation Consortium (ExAC). This v ariant is a deletion of 3 bases in the 3? untranslated region (3' UTR). It is un clear what, if any, impact this would have on the protein. In summary, the clini cal significance of the *5_*8delCTTT variant is uncertain.

NM_001018005.2(TPM1):c.*5_*8del

Gene: TPM1 (tropomyosin 1; plus strand). Cytogenetic location: 15q22.2.
Variant type: Deletion.
Coding change: c.*5_*8del on transcript NM_001018005.2 (MANE Select); 5 bases downstream of the stop codon through 8 bases downstream of the stop codon, 4 bases deleted (CTTT; older notation c.*5_*8delCTTT).
Molecular consequence: 3 prime UTR variant. On other transcripts: frameshift variant (2), intron variant (10).
Genome position (GRCh38, 1-based): chr15:63,065,904-63,065,907, CTTT deleted; deleting any 4 consecutive bases within chr15:63,065,901-63,065,907 gives the same sequence; the c. name uses the placement nearest the transcript's 3' end. VCF-style (leftmost placement, unchanged base first): chr15-63065900-GTTTC-G. GRCh37 (hg19) VCF-style: chr15-63358099-GTTTC-G.
Other names: c.*53_*56del (NM_000366.6, NM_001365779.1); c.*5_*8del (NM_001301244.2, NM_001330346.2, NM_001018005.1); c.781_784del, p.Leu261fs (NM_001365777.1); c.673_676del, p.Leu225fs (NM_001365780.1); c.*1758_*1761del (NM_001365781.2, NM_001365782.1); c.898+3259_898+3262del (NM_001365778.1); c.772+3259_772+3262del (NM_001018020.2, NM_001018007.2, NM_001018006.2 and 2 more transcripts); c.664+3259_664+3262del (NM_001330351.2, NM_001330344.2, NM_001018008.2 and 1 more transcripts); short protein forms L261fs, L225fs.
Identifiers: ClinVar variation 188709 (VCV000188709.13), dbSNP rs786204415, ClinGen allele CA018550.